The following is an entry in ClinVar:

NM_001042492.3(NF1):c.543_545dup (p.Tyr182Ter)

Gene: NF1 (neurofibromin 1; plus strand). Cytogenetic location: 17q11.2.
Variant type: Duplication.
Coding change: c.543_545dup on transcript NM_001042492.3 (MANE Select); coding-DNA positions 543 to 545, 3 bases duplicated (GTA; older notation c.543_545dupGTA).
Protein change: p.Tyr182Ter; replaces tyrosine 182 with a stop codon.
Molecular consequence: nonsense.
Genome position (GRCh38, 1-based): chr17:31,169,954-31,169,956, GTA duplicated; duplicating any 3 consecutive bases within chr17:31,169,953-31,169,956 gives the same sequence; the c. name uses the placement nearest the transcript's 3' end. VCF-style (leftmost placement, unchanged base first): chr17-31169952-C-CAGT. GRCh37 (hg19) VCF-style: chr17-29496970-C-CAGT.
Other names: c.543_545dup, p.Tyr182Ter (NM_001128147.3); c.543_545dup, p.Tyr182_Pro516delinsTer (NM_000267.4); short protein forms Y182*.
Identifiers: ClinVar variation 1809591 (VCV001809591.1), dbSNP rs2544719194, ClinGen allele CA2580093007.
Genomic context (GRCh38, chr17:31,169,952, plus strand): 5'-TTACAGGAATTAACTGTTTGTTCAGAAGACAATGTTGATGTTCATGATATAGAATTGTTA[C>CAGT]AGTATATCAATGTGGATTGTGCAAAATTAAAACGACTCCTGAAGGGTAAGTTTAAATGTA-3'

ClinVar aggregate classification (germline): Likely pathogenic (1 of 4 stars; one submission).

Submission:

Quest Diagnostics Nichols Institute San Juan Capistrano
Classification: Likely pathogenic. Last evaluated: 2021-08-17. Review status: criteria provided, single submitter. Criteria: Quest Diagnostics criteria. Collection method: clinical testing. Allele origin: unknown.
Comment: This variant is predicted to cause the premature termination of NF1 protein synthesis. To the best of our knowledge, this variant has not been reported in the published literature. However, based on the predicted effect of this variant on the function of the NF1 gene and/or protein, this variant is predicted to be likely pathogenic.